The following is an entry in ClinVar:

NM_020309.4(SLC17A7):c.912C>G (p.Val304=)

Gene: SLC17A7 (solute carrier family 17 member 7; minus strand). Cytogenetic location: 19q13.33.
Variant type: single nucleotide variant.
Coding change: c.912C>G on transcript NM_020309.4 (MANE Select); coding-DNA position 912, C replaced by G.
Protein change: p.Val304=; no amino-acid change (valine 304 retained).
Molecular consequence: synonymous variant.
Genome position (GRCh38, 1-based): chr19:49,432,916, G>C on the plus strand (C>G on the coding strand, the complement: SLC17A7 is on the minus strand). VCF-style: chr19-49432916-G-C. GRCh37 (hg19) VCF-style: chr19-49936173-G-C.
Identifiers: ClinVar variation 2650242 (VCV002650242.24), dbSNP rs191436004, ClinGen allele CA9572949.

ClinVar aggregate classification (germline): Likely benign (1 of 4 stars; one submission).

Allele frequency attached by ClinVar (database versions not stated): ESP Exome Variant Server 0.00008; 1000 Genomes Project 30x 0.00016; 1000 Genomes Project 0.00020; gnomAD 0.00020; TOPMed 0.00020; gnomAD exomes 0.00022; ExAC 0.00044.
gnomAD v4.1: 372 of 1,606,260 alleles (0.023%); highest among the groups gnomAD compares: Middle Eastern, 0.13%; 1 homozygote.

Submission:

CeGaT Center for Human Genetics Tuebingen
Classification: Likely benign. Last evaluated: 2023-04-01. Review status: criteria provided, single submitter. Criteria: CeGaT Center For Human Genetics Tuebingen Variant Classification Criteria Version 2. Collection method: clinical testing. Allele origin: germline. Affected: yes. Observed: 1 variant allele.
Comment: SLC17A7: BP4, BP7